The following is an entry in ClinVar:

NM_023067.4(FOXL2):c.777dup (p.Arg260fs)

Gene: FOXL2 (forkhead box L2; minus strand). Cytogenetic location: 3q22.3.
Variant type: Duplication.
Coding change: c.777dup on transcript NM_023067.4 (MANE Select); coding-DNA position 777, one base duplicated (A; older notation c.777dupA).
Protein change: p.Arg260fs; shifts the reading frame from arginine 260.
Molecular consequence: frameshift variant.
Genome position (GRCh38, 1-based): chr3:138,945,946, T duplicated on the plus strand (A on the coding strand, the reverse complement: FOXL2 is on the minus strand). VCF-style (leftmost placement, unchanged base first): chr3-138945945-G-GT. GRCh37 (hg19) VCF-style: chr3-138664787-G-GT.
Other names: short protein forms R260fs.
Identifiers: ClinVar variation 369928 (VCV000369928.1), dbSNP rs1057516176, ClinGen allele CA10654866.

ClinVar aggregate classification (germline): Pathogenic (1 of 4 stars; one submission).

Conditions:
Blepharophimosis, ptosis, and epicanthus inversus syndrome. Identifiers: Orphanet 126, MedGen C0220663, MONDO:0007201, OMIM 110100.

Submission:

Genomic Diagnostic Laboratory, Division of Genomic Diagnostics, Children's Hospital of Philadelphia
Classification: Pathogenic for Blepharophimosis, ptosis, and epicanthus inversus syndrome. Last evaluated: 2016-11-03. Review status: criteria provided, single submitter. Criteria: DGD Variant Analysis Guidelines. Collection method: clinical testing. Allele origin: germline. Affected: yes. Observed: 1 variant allele.
Comment: Clinical Testing